The following is an entry in ClinVar:

NM_000535.7(PMS2):c.2446-15G>T

Gene: PMS2 (PMS1 homolog 2, mismatch repair system component; minus strand). Cytogenetic location: 7p22.1.
Variant type: single nucleotide variant.
Coding change: c.2446-15G>T on transcript NM_000535.7 (MANE Select); 15 bases into the intron before coding-DNA position 2446, G replaced by T.
Molecular consequence: intron variant.
Genome position (GRCh38, 1-based): chr7:5,973,557, C>A on the plus strand (G>T on the coding strand, the complement: PMS2 is on the minus strand). VCF-style: chr7-5973557-C-A. GRCh37 (hg19) VCF-style: chr7-6013188-C-A.
Other names: c.2128-15G>T (NM_001322008.2, NM_001406883.1, NM_001322007.2); c.2137-15G>T (NM_001406881.1, NM_001406879.1, NM_001322015.2 and 4 more transcripts); c.2041-15G>T (NM_001406895.1, NM_001322004.2, NM_001406889.1 and 11 more transcripts); c.1675-15G>T (NM_001406911.1); c.1885-15G>T (NM_001322010.2, NM_001406906.1, NM_001406907.1); c.1972-15G>T (NM_001406902.1, NM_001406901.1); c.1933-15G>T (NM_001406904.1, NM_001406905.1); c.1873-15G>T (NM_001322013.2, NM_001406908.1, NM_001406909.1); and 20 more.
Identifiers: ClinVar variation 2719329 (VCV002719329.5), dbSNP rs2128659545, ClinGen allele CA2697553816.

ClinVar aggregate classification (germline): Likely benign. Review status: criteria provided, multiple submitters, no conflicts (2 of 4 stars). 3 submissions from 3 submitters: Likely benign (3). Last evaluated 2025-06-09.

Conditions:
Hereditary cancer-predisposing syndrome. Also called: Neoplastic Syndromes, Hereditary; Tumor predisposition; Hereditary neoplastic syndrome; Hereditary Cancer Syndrome. Identifiers: Orphanet 140162, MedGen C0027672, MeSH D009386, MONDO:0015356.
Hereditary nonpolyposis colorectal neoplasms. Identifiers: MedGen C0009405, MeSH D003123.
Lynch syndrome 4 (LYNCH4). Also called: Hereditary non-polyposis colorectal cancer, type 4; Colorectal cancer, hereditary nonpolyposis, type 4. Identifiers: Orphanet 144, MedGen C1838333, MONDO:0013699, OMIM 614337. Disease mechanism: loss of function.

Submissions (3):

Labcorp Genetics (formerly Invitae), Labcorp
Classification: Likely benign for Hereditary nonpolyposis colorectal neoplasms. Last evaluated: 2025-06-09. Review status: criteria provided, single submitter. Criteria: Invitae Variant Classification Sherloc (09022015). Collection method: clinical testing. Allele origin: germline.

Myriad Genetics, Inc.
Classification: Likely benign for Lynch syndrome 4. Last evaluated: 2025-02-04. Review status: criteria provided, single submitter. Criteria: Myriad Autosomal Dominant, Autosomal Recessive and X-Linked Classification Criteria (2023). Collection method: clinical testing. Allele origin: unknown.
Comment: This variant is considered likely benign. This variant is intronic and is not expected to impact mRNA splicing.

Color Diagnostics, LLC DBA Color Health
Classification: Likely benign for Hereditary cancer-predisposing syndrome. Last evaluated: 2023-05-09. Review status: criteria provided, single submitter. Criteria: ACMG Guidelines, 2015. Collection method: clinical testing. Allele origin: germline.